The following is an entry in ClinVar:

ClinVar aggregate classification (germline): Uncertain significance. Review status: criteria provided, multiple submitters, no conflicts (2 of 4 stars). 8 submissions from 7 submitters: Uncertain significance (7). 1 of the submissions does not count toward it. Last evaluated 2025-06-11.

Conditions:
Retinitis pigmentosa 39 (RP39). Identifiers: Orphanet 791, MedGen C3151138, MONDO:0013436, OMIM 613809.
Usher syndrome type 2A. Also called: RETINAL DISEASE IN USHER SYNDROME TYPE IIA, MODIFIER OF; USHER SYNDROME, TYPE IIA. Identifiers: Orphanet 231178, Orphanet 886, MedGen C1848634, MONDO:0010169, OMIM 276901.

Allele frequency attached by ClinVar (database versions not stated): gnomAD exomes 0.00005 and 0.00006; ExAC 0.00006; gnomAD 0.00006; TOPMed 0.00007; ESP Exome Variant Server 0.00008.
gnomAD v4.1: 90 of 1,613,882 alleles (0.0056%); highest among the groups gnomAD compares: Non-Finnish European, 0.007%; no homozygotes.

Submissions (8):

GeneDx
Classification: Uncertain significance. Last evaluated: 2025-06-11. Review status: criteria provided, single submitter. Criteria: GeneDx Variant Classification Process June 2021. Collection method: clinical testing. Allele origin: germline. Affected: yes.
Comment: Identified in an additional patient with a suspected inherited retinal disease in published literature, however, it is not known if a second USH2A variant was identified (PMID: 36460718); In silico analysis suggests that this missense variant does not alter protein structure/function; This variant is associated with the following publications: (PMID: 36785559, 36460718)

Blueprint Genetics
Classification: Uncertain significance. Last evaluated: 2024-11-21. Review status: criteria provided, single submitter. Criteria: ACMG Guidelines, 2015. Collection method: clinical testing. Allele origin: germline.

Labcorp Genetics (formerly Invitae), Labcorp
Classification: Uncertain significance. Last evaluated: 2024-10-16. Review status: criteria provided, single submitter. Criteria: Invitae Variant Classification Sherloc (09022015). Collection method: clinical testing. Allele origin: germline.
Comment: This sequence change replaces arginine, which is basic and polar, with cysteine, which is neutral and slightly polar, at codon 3317 of the USH2A protein (p.Arg3317Cys). This variant is present in population databases (rs200696560, gnomAD 0.009%). This missense change has been observed in individuals with retinitis pigmentosa (PMID: 36460718, 36785559; internal data). ClinVar contains an entry for this variant (Variation ID: 848058). Invitae Evidence Modeling of protein sequence and biophysical properties (such as structural, functional, and spatial information, amino acid conservation, physicochemical variation, residue mobility, and thermodynamic stability) indicates that this missense variant is not expected to disrupt USH2A protein function with a negative predictive value of 95%. In summary, the available evidence is currently insufficient to determine the role of this variant in disease. Therefore, it has been classified as a Variant of Uncertain Significance.

Revvity Omics, Revvity
Classification: Uncertain significance. Last evaluated: 2023-12-23. Review status: criteria provided, single submitter. Criteria: ACMG Guidelines, 2015. Collection method: clinical testing. Allele origin: germline.

Genome-Nilou Lab
Classification: Uncertain significance for Retinitis pigmentosa 39. Last evaluated: 2023-11-04. Review status: criteria provided, single submitter. Criteria: ACMG Guidelines, 2015. Collection method: clinical testing. Allele origin: germline. Affected: no.

Genome-Nilou Lab
Classification: Uncertain significance for Usher syndrome type 2A. Last evaluated: 2023-11-04. Review status: criteria provided, single submitter. Criteria: ACMG Guidelines, 2015. Collection method: clinical testing. Allele origin: germline. Affected: no.

Women's Health and Genetics/Laboratory Corporation of America, LabCorp
Classification: Uncertain significance. Last evaluated: 2023-09-26. Review status: criteria provided, single submitter. Criteria: LabCorp Variant Classification Summary - May 2015. Collection method: clinical testing. Allele origin: germline.
Comment: Variant summary: USH2A c.9949C>T (p.Arg3317Cys) results in a non-conservative amino acid change located in the Fibronectin type III (IPR003961) of the encoded protein sequence. Four of five in-silico tools predict a benign effect of the variant on protein function. The variant allele was found at a frequency of 5.2e-05 in 251216 control chromosomes. This frequency is not significantly higher than estimated for a pathogenic variant in USH2A causing Usher Syndrome (5.2e-05 vs 0.011), allowing no conclusion about variant significance. c.9949C>T has been reported in the literature in individuals affected with unspecified retinal disorder (Karali_2022) and Retinitis Pigmentosa (Reurink_2023). These data do not allow any conclusion about variant significance. To our knowledge, no experimental evidence demonstrating an impact on protein function has been reported. The following publications have been ascertained in the context of this evaluation (PMID: 36460718, 36785559). Three submitters have cited clinical-significance assessments for this variant to ClinVar after 2014. All submitters classified the variant as uncertain significance. Based on the evidence outlined above, the variant was classified as uncertain significance.

Natera, Inc.
Classification: Uncertain significance for Usher syndrome type 2A. Last evaluated: 2020-01-11. Review status: no assertion criteria provided. Collection method: clinical testing. Allele origin: germline. Not counted in ClinVar's aggregate classification.

Literature cited by the submitters: PubMed 36460718 (cited by Labcorp Genetics (formerly Invitae), Labcorp and Women's Health and Genetics/Laboratory Corporation of America, LabCorp); PubMed 36785559 (cited by Labcorp Genetics (formerly Invitae), Labcorp and Women's Health and Genetics/Laboratory Corporation of America, LabCorp).

NM_206933.4(USH2A):c.9949C>T (p.Arg3317Cys)

Gene: USH2A (usherin; minus strand). Cytogenetic location: 1q41.
Variant type: single nucleotide variant.
Coding change: c.9949C>T on transcript NM_206933.4 (MANE Select); coding-DNA position 9949, C replaced by T.
Protein change: p.Arg3317Cys; replaces arginine 3317 with cysteine.
Molecular consequence: missense variant.
Genome position (GRCh38, 1-based): chr1:215,798,916, G>A on the plus strand (C>T on the coding strand, the complement: USH2A is on the minus strand). VCF-style: chr1-215798916-G-A. GRCh37 (hg19) VCF-style: chr1-215972258-G-A.
Other names: short protein forms R3317C.
Identifiers: ClinVar variation 848058 (VCV000848058.12), dbSNP rs200696560, ClinGen allele CA1394177.
Genomic context (GRCh38, chr1:215,798,916, plus strand): 5'-CTCTGCTTCTCAGATCCTCCATCTACTGAAAGGTAGACCTGGGCCCCTTACCTGGAAGGC[G>A]ATTGTACACCACTCCTTCTTCTCCACCACAACACTCTAAATCGTTGCTCACAATCTGTCT-3'
Protein context (NP_996816.3, residues 3307-3327): CGGEEGVVYN[Arg3317Cys]LPGMFCCGQD